The following is an entry in ClinVar:

NM_006947.4(SRP72):c.1402A>G (p.Ser468Gly)

Gene: SRP72 (signal recognition particle 72; plus strand). Cytogenetic location: 4q12.
Variant type: single nucleotide variant.
Coding change: c.1402A>G on transcript NM_006947.4 (MANE Select); coding-DNA position 1402, A replaced by G.
Protein change: p.Ser468Gly; replaces serine 468 with glycine.
Molecular consequence: missense variant. On other transcripts: non-coding transcript variant (1).
Genome position (GRCh38, 1-based): chr4:56,490,414, A>G. VCF-style: chr4-56490414-A-G. GRCh37 (hg19) VCF-style: chr4-57356580-A-G.
Other names: c.1219A>G, p.Ser407Gly (NM_001267722.2); short protein forms S468G, S407G.
Identifiers: ClinVar variation 4589628 (VCV004589628.1).

ClinVar aggregate classification (germline): Uncertain significance (1 of 4 stars; one submission).

Submission:

Ambry Genetics
Classification: Uncertain significance. Last evaluated: 2025-11-15. Review status: criteria provided, single submitter. Criteria: Ambry Variant Classification Scheme 2023. Collection method: clinical testing. Allele origin: germline.
Comment: The p.S468G variant (also known as c.1402A>G), located in coding exon 14 of the SRP72 gene, results from an A to G substitution at nucleotide position 1402. The serine at codon 468 is replaced by glycine, an amino acid with similar properties. This amino acid position is conserved. In addition, this alteration is predicted to be tolerated by in silico analysis. Based on the available evidence, the clinical significance of this variant remains unclear.